The following is an entry in ClinVar:

ClinVar aggregate classification (germline): Benign/Likely benign. Review status: criteria provided, multiple submitters, no conflicts (2 of 4 stars). 2 submissions from 2 submitters: Benign (1); Likely benign (1). Last evaluated 2026-02-18.

Conditions:
MID1-related disorder. Also called: MID1-related condition.

Allele frequency attached by ClinVar (database versions not stated): gnomAD 0.00001; ExAC 0.00007.
gnomAD v4.1: 44 of 1,208,247 alleles (0.0036%); highest among the groups gnomAD compares: South Asian, 0.072%; no homozygotes.

Submissions (2):

PreventionGenetics, part of Exact Sciences
Classification: Likely benign for MID1-related condition. Last evaluated: 2026-02-18. Review status: criteria provided, single submitter. Criteria: ACMG Guidelines, 2015. Collection method: clinical testing. Allele origin: germline.
Comment: This variant is classified as likely benign based on ACMG/AMP sequence variant interpretation guidelines (Richards et al. 2015 PMID: 25741868, with internal and published modifications).

Labcorp Genetics (formerly Invitae), Labcorp
Classification: Benign. Last evaluated: 2023-08-18. Review status: criteria provided, single submitter. Criteria: Invitae Variant Classification Sherloc (09022015). Collection method: clinical testing. Allele origin: germline.

NM_000381.4(MID1):c.660+8C>T

Gene: MID1 (midline 1; minus strand). Cytogenetic location: Xp22.2.
Variant type: single nucleotide variant.
Coding change: c.660+8C>T on transcript NM_000381.4 (MANE Select); 8 bases into the intron after coding-DNA position 660, C replaced by T.
Molecular consequence: intron variant.
Genome position (GRCh38, 1-based): chrX:10,566,880, G>A on the plus strand (C>T on the coding strand, the complement: MID1 is on the minus strand). VCF-style: chrX-10566880-G-A. GRCh37 (hg19) VCF-style: chrX-10534920-G-A.
Other names: c.660+8C>T (NM_033290.4, NM_001098624.2, NM_001347733.2 and 4 more transcripts); c.546+122C>T (NM_033289.2, NM_001193280.1).
Identifiers: ClinVar variation 2984020 (VCV002984020.4), dbSNP rs201547880, ClinGen allele CA10347680.